The following is an entry in ClinVar:

NM_021994.3(ZNF277):c.-1A>G

Gene: ZNF277 (zinc finger protein 277; plus strand). Cytogenetic location: 7q31.1.
Variant type: single nucleotide variant.
Coding change: c.-1A>G on transcript NM_021994.3 (MANE Select); 1 bases upstream of the start codon, A replaced by G.
Molecular consequence: 5 prime UTR variant.
Genome position (GRCh38, 1-based): chr7:112,206,716, A>G. VCF-style: chr7-112206716-A-G. GRCh37 (hg19) VCF-style: chr7-111846771-A-G.
Identifiers: ClinVar variation 2657946 (VCV002657946.24), dbSNP rs142246587, ClinGen allele CA4442942.

ClinVar aggregate classification (germline): Likely benign (1 of 4 stars; one submission).

Allele frequency attached by ClinVar (database versions not stated): 1000 Genomes Project 0.00479; 1000 Genomes Project 30x 0.00547; ESP Exome Variant Server 0.00846.

Submission:

CeGaT Center for Human Genetics Tuebingen
Classification: Likely benign. Last evaluated: 2023-08-01. Review status: criteria provided, single submitter. Criteria: CeGaT Center For Human Genetics Tuebingen Variant Classification Criteria Version 2. Collection method: clinical testing. Allele origin: germline. Affected: yes. Observed: 1 variant allele.
Comment: ZNF277: BP4, BS2